The following is an entry in ClinVar:

ClinVar aggregate classification (germline): Likely pathogenic (1 of 4 stars; one submission).

Conditions:
3-methylcrotonyl-CoA carboxylase 2 deficiency. Also called: METHYLCROTONYLGLYCINURIA, TYPE II; 3 alpha methylcrotonyl-CoA carboxylase 2 deficiency; 3 alpha methylcrotonylglycinuria 2; MCC 2 deficiency; Methylcrotonylglycinuria type 2. Identifiers: Orphanet 6, MedGen C1859499, MONDO:0008862, OMIM 210210.

Allele frequency attached by ClinVar (database versions not stated): gnomAD exomes below 0.00001.
gnomAD v4.1: 1 of 1,614,132 alleles (0.000062%); highest among the groups gnomAD compares: Non-Finnish European, 0.000085%; no homozygotes.

Submission:

Labcorp Genetics (formerly Invitae), Labcorp
Classification: Likely pathogenic for 3-methylcrotonyl-CoA carboxylase 2 deficiency. Last evaluated: 2024-04-25. Review status: criteria provided, single submitter. Criteria: Invitae Variant Classification Sherloc (09022015). Collection method: clinical testing. Allele origin: germline.
Comment: This sequence change affects a donor splice site in intron 5 of the MCCC2 gene. It is expected to disrupt RNA splicing. Variants that disrupt the donor or acceptor splice site typically lead to a loss of protein function (PMID: 16199547), and loss-of-function variants in MCCC2 are known to be pathogenic (PMID: 11181649, 22642865). This variant is present in population databases (no rsID available, gnomAD 0.0009%). This variant has not been reported in the literature in individuals affected with MCCC2-related conditions. ClinVar contains an entry for this variant (Variation ID: 1348372). Algorithms developed to predict the effect of sequence changes on RNA splicing suggest that this variant may disrupt the consensus splice site. In summary, the currently available evidence indicates that the variant is pathogenic, but additional data are needed to prove that conclusively. Therefore, this variant has been classified as Likely Pathogenic.

Literature cited by the submitters: PubMed 16199547; PubMed 11181649; PubMed 22642865.

NM_022132.5(MCCC2):c.511+1G>A

Gene: MCCC2 (methylcrotonyl-CoA carboxylase subunit 2; plus strand). Cytogenetic location: 5q13.2.
Variant type: single nucleotide variant.
Coding change: c.511+1G>A on transcript NM_022132.5 (MANE Select); the canonical splice donor site of the intron after coding-DNA position 511, G replaced by A.
Molecular consequence: splice donor variant.
Genome position (GRCh38, 1-based): chr5:71,602,634, G>A. VCF-style: chr5-71602634-G-A. GRCh37 (hg19) VCF-style: chr5-70898461-G-A.
Other names: c.511+1G>A (NM_001363147.1).
Identifiers: ClinVar variation 1348372 (VCV001348372.6), dbSNP rs1165990855, ClinGen allele CA360011151.
Genomic context (GRCh38, chr5:71,602,634, plus strand): 5'-AAAAACAATTACGGGCCCAAGAAATTGCCATGCAAAACAGGCTCCCCTGCATCTACTTAG[G>A]CAAGTCACCAGAGTGGTAAAATAAACTATTATTAGCTGGTAAAATGCAAGATAGTTTGGA-3'